The following is an entry in ClinVar:

NM_030962.4(SBF2):c.353C>T (p.Pro118Leu)

Gene: SBF2 (SET binding factor 2; minus strand). Cytogenetic location: 11p15.4.
Variant type: single nucleotide variant.
Coding change: c.353C>T on transcript NM_030962.4 (MANE Select); coding-DNA position 353, C replaced by T.
Protein change: p.Pro118Leu; replaces proline 118 with leucine.
Molecular consequence: missense variant.
Genome position (GRCh38, 1-based): chr11:10,031,097, G>A on the plus strand (C>T on the coding strand, the complement: SBF2 is on the minus strand). VCF-style: chr11-10031097-G-A. GRCh37 (hg19) VCF-style: chr11-10052644-G-A.
Other names: c.353C>T, p.Pro118Leu (NM_001386339.1, NM_001386342.1); short protein forms P118L.
Identifiers: ClinVar variation 1019782 (VCV001019782.11), dbSNP rs1949238001, ClinGen allele CA379646631.

ClinVar aggregate classification (germline): Uncertain significance. Review status: criteria provided, multiple submitters, no conflicts (2 of 4 stars). 2 submissions from 2 submitters: Uncertain significance (2). Last evaluated 2025-10-02.

Conditions:
Charcot-Marie-Tooth disease type 4. Also called: Charcot-Marie-Tooth disease, type IV; Charcot-Marie-Tooth, Type 4. Identifiers: Orphanet 64749, MedGen C4082197, MONDO:0018995.
Inborn genetic diseases. Identifiers: MedGen C0950123, MeSH D030342.

Allele frequency attached by ClinVar (database versions not stated): gnomAD exomes below 0.00001.
gnomAD v4.1: 1 of 1,613,372 alleles (0.000062%); highest among the groups gnomAD compares: South Asian, 0.0011%; no homozygotes.

Submissions (2):

Labcorp Genetics (formerly Invitae), Labcorp
Classification: Uncertain significance for Charcot-Marie-Tooth disease type 4. Last evaluated: 2025-10-02. Review status: criteria provided, single submitter. Criteria: Invitae Variant Classification Sherloc (09022015). Collection method: clinical testing. Allele origin: germline.
Comment: This sequence change replaces proline, which is neutral and non-polar, with leucine, which is neutral and non-polar, at codon 118 of the SBF2 protein (p.Pro118Leu). This variant is not present in population databases (gnomAD no frequency). This variant has not been reported in the literature in individuals affected with SBF2-related conditions. ClinVar contains an entry for this variant (Variation ID: 1019782). Invitae Evidence Modeling of protein sequence and biophysical properties (such as structural, functional, and spatial information, amino acid conservation, physicochemical variation, residue mobility, and thermodynamic stability) indicates that this missense variant is expected to disrupt SBF2 protein function with a positive predictive value of 80%. In summary, the available evidence is currently insufficient to determine the role of this variant in disease. Therefore, it has been classified as a Variant of Uncertain Significance.

Ambry Genetics
Classification: Uncertain significance for Inborn genetic diseases. Last evaluated: 2020-03-24. Review status: criteria provided, single submitter. Criteria: Ambry Variant Classification Scheme 2023. Collection method: clinical testing. Allele origin: germline.
Comment: The p.P118L variant (also known as c.353C>T), located in coding exon 4 of the SBF2 gene, results from a C to T substitution at nucleotide position 353. The proline at codon 118 is replaced by leucine, an amino acid with similar properties. This amino acid position is highly conserved in available vertebrate species. In addition, the in silico prediction for this alteration is inconclusive. Since supporting evidence is limited at this time, the clinical significance of this alteration remains unclear.